The following is an entry in ClinVar:

ClinVar aggregate classification (germline): Uncertain significance (1 of 4 stars; one submission).

Conditions:
Ehlers-Danlos syndrome, classic type, 1 (EDSCL1). Also called: EHLERS-DANLOS SYNDROME, GRAVIS TYPE; EHLERS-DANLOS SYNDROME, SEVERE CLASSIC TYPE; Ehlers-Danlos syndrome, type 1; Ehlers-Danlos Syndrome, Classic Type, COL5A1-Related; EDS I. Identifiers: MedGen C0268335, MONDO:0019567, OMIM 130000.

Submission:

Labcorp Genetics (formerly Invitae), Labcorp
Classification: Uncertain significance for Ehlers-Danlos syndrome, classic type, 1. Last evaluated: 2025-06-29. Review status: criteria provided, single submitter. Criteria: Invitae Variant Classification Sherloc (09022015). Collection method: clinical testing. Allele origin: germline.
Comment: This sequence change falls in intron 18 of the COL5A2 gene. It does not directly change the encoded amino acid sequence of the COL5A2 protein. It affects a nucleotide within the consensus splice site. This variant is not present in population databases (gnomAD no frequency). This variant has not been reported in the literature in individuals affected with COL5A2-related conditions. ClinVar contains an entry for this variant (Variation ID: 2714844). Variants that disrupt the consensus splice site are a relatively common cause of aberrant splicing (PMID: 17576681, 9536098). Algorithms developed to predict the effect of sequence changes on RNA splicing suggest that this variant is not likely to affect RNA splicing. In summary, the available evidence is currently insufficient to determine the role of this variant in disease. Therefore, it has been classified as a Variant of Uncertain Significance.

Literature cited by the submitters: PubMed 17576681; PubMed 9536098.

NM_000393.5(COL5A2):c.1158+3A>G

Gene: COL5A2 (collagen type V alpha 2 chain; minus strand). Cytogenetic location: 2q32.2.
Variant type: single nucleotide variant.
Coding change: c.1158+3A>G on transcript NM_000393.5 (MANE Select); 3 bases into the intron after coding-DNA position 1158, A replaced by G.
Molecular consequence: intron variant.
Genome position (GRCh38, 1-based): chr2:189,072,037, T>C on the plus strand (A>G on the coding strand, the complement: COL5A2 is on the minus strand). VCF-style: chr2-189072037-T-C. GRCh37 (hg19) VCF-style: chr2-189936763-T-C.
Identifiers: ClinVar variation 2714844 (VCV002714844.3), dbSNP rs2469321713, ClinGen allele CA2662316002.
Genomic context (GRCh38, chr2:189,072,037, plus strand): 5'-TTCACTTTGGGACTCATGTAATCATGTAGCGTTAAATACTGTATATTAACATTAACATCT[T>C]ACCTTCATTCCAGGATTTCCTGGAAAACCAGAAGAGCCTGGTATCCCAAGAGGACCCTAT-3'